The following is an entry in ClinVar:

NM_005619.5(RTN2):c.943C>A (p.Pro315Thr)

Genes: OPA3-RTN2 (OPA3-RTN2 readthrough; minus strand), RTN2 (reticulon 2; minus strand). Cytogenetic location: 19q13.32.
Variant type: single nucleotide variant.
Coding change: c.943C>A on transcript NM_005619.5 (MANE Select); coding-DNA position 943, C replaced by A.
Protein change: p.Pro315Thr; replaces proline 315 with threonine.
Molecular consequence: missense variant. On other transcripts: 5 prime UTR variant (1), intron variant (1).
Genome position (GRCh38, 1-based): chr19:45,493,250, G>T on the plus strand (C>A on the coding strand, the complement: RTN2 is on the minus strand). VCF-style: chr19-45493250-G-T. GRCh37 (hg19) VCF-style: chr19-45996508-G-T.
Other names: c.-78C>A (NM_206901.3); c.814+916C>A (NM_206900.3); short protein forms P315T.
Identifiers: ClinVar variation 1028922 (VCV001028922.1), dbSNP rs765944441, ClinGen allele CA406358399.

ClinVar aggregate classification (germline): Uncertain significance (1 of 4 stars; one submission).

Conditions:
Hereditary spastic paraplegia 12 (SPG12). Also called: SPASTIC PARAPLEGIA 12, AUTOSOMAL DOMINANT. Identifiers: Orphanet 100993, MedGen C1858106, MONDO:0011489, OMIM 604805.

Submission:

Baylor Genetics
Classification: Uncertain significance for Hereditary spastic paraplegia 12. Last evaluated: 2019-08-23. Review status: criteria provided, single submitter. Criteria: ACMG Guidelines, 2015. Collection method: clinical testing. Allele origin: unknown. Affected: yes.
Comment: This variant was determined to be of uncertain significance according to ACMG Guidelines, 2015 [PMID:25741868].